The following is an entry in ClinVar:

ClinVar aggregate classification (germline): Uncertain significance (1 of 4 stars; one submission).

Conditions:
Dyskeratosis congenita. Identifiers: Orphanet 1775, MedGen C0265965, MONDO:0015780.

Submission:

Ambry Genetics
Classification: Uncertain significance for Dyskeratosis congenita. Last evaluated: 2026-07-27. Review status: criteria provided, single submitter. Criteria: Ambry Variant Classification Scheme 2023. Collection method: clinical testing. Allele origin: germline.
Comment: The p.E327K variant (also known as c.979G>A), located in coding exon 2 of the TERT gene, results from a G to A substitution at nucleotide position 979. The glutamic acid at codon 327 is replaced by lysine, an amino acid with similar properties. This amino acid position is conserved. In addition, the in silico prediction for this alteration is inconclusive. Based on the available evidence, the clinical significance of this variant remains unclear.

NM_198253.3(TERT):c.979G>A (p.Glu327Lys)

Gene: TERT (telomerase reverse transcriptase; minus strand). Cytogenetic location: 5p15.33.
Variant type: single nucleotide variant.
Coding change: c.979G>A on transcript NM_198253.3 (MANE Select); coding-DNA position 979, G replaced by A.
Protein change: p.Glu327Lys; replaces glutamic acid 327 with lysine.
Molecular consequence: missense variant. On other transcripts: non-coding transcript variant (2).
Genome position (GRCh38, 1-based): chr5:1,293,907, C>T on the plus strand (G>A on the coding strand, the complement: TERT is on the minus strand). VCF-style: chr5-1293907-C-T. GRCh37 (hg19) VCF-style: chr5-1294022-C-T.
Other names: c.979G>A, p.Glu327Lys (NM_001193376.3); short protein forms E327K.
Identifiers: ClinVar variation 5030652 (VCV005030652.1).